The following is an entry in ClinVar:

NM_014967.5(FAN1):c.2761C>T (p.Arg921Cys)

Genes: FAN1 (FANCD2 and FANCI associated nuclease 1; plus strand), MTMR10 (myotubularin related protein 10; minus strand). Cytogenetic location: 15q13.3.
Variant type: single nucleotide variant.
Coding change: c.2761C>T on transcript NM_014967.5 (MANE Select); coding-DNA position 2761, C replaced by T.
Protein change: p.Arg921Cys; replaces arginine 921 with cysteine.
Molecular consequence: missense variant.
Genome position (GRCh38, 1-based): chr15:30,929,371, C>T. VCF-style: chr15-30929371-C-T. GRCh37 (hg19) VCF-style: chr15-31221574-C-T.
Other names: c.2761C>T (NM_014967.4); short protein forms R921C.
Identifiers: ClinVar variation 2919828 (VCV002919828.5), dbSNP rs117225217, ClinGen allele CA7450744.

ClinVar aggregate classification (germline): Benign. Review status: criteria provided, single submitter (1 of 4 stars). 2 submissions from 2 submitters: Benign (1). 1 of the submissions does not count toward it. Last evaluated 2026-01-26.

Conditions:
FAN1-related disorder. Also called: FAN1-related condition.

Allele frequency attached by ClinVar (database versions not stated): ExAC 0.00058; ESP Exome Variant Server 0.00008; gnomAD 0.00020; TOPMed 0.00031; 1000 Genomes Project 30x 0.00250; 1000 Genomes Project 0.00280.
gnomAD v4.1: 325 of 1,607,520 alleles (0.02%); highest among the groups gnomAD compares: East Asian, 0.59%; 2 homozygotes.

Submissions (2):

Labcorp Genetics (formerly Invitae), Labcorp
Classification: Benign. Last evaluated: 2026-01-26. Review status: criteria provided, single submitter. Criteria: Invitae Variant Classification Sherloc (09022015). Collection method: clinical testing. Allele origin: germline.

PreventionGenetics, part of Exact Sciences
Classification: Likely benign for FAN1-related condition. Last evaluated: 2022-07-21. Review status: no assertion criteria provided. Collection method: clinical testing. Allele origin: germline. Not counted in ClinVar's aggregate classification.
Comment: This variant is classified as likely benign based on ACMG/AMP sequence variant interpretation guidelines (Richards et al. 2015 PMID: 25741868, with internal and published modifications).